The following is an entry in ClinVar:

ClinVar aggregate classification (germline): Uncertain significance (1 of 4 stars; one submission).

Submission:

GeneDx
Classification: Uncertain significance. Last evaluated: 2025-06-19. Review status: criteria provided, single submitter. Criteria: GeneDx Variant Classification Process June 2021. Collection method: clinical testing. Allele origin: germline. Affected: yes.
Comment: Not observed at significant frequency in large population cohorts (gnomAD); In silico analysis suggests that this variant does not alter protein structure/function; Has not been previously published as pathogenic or benign to our knowledge; This variant is associated with the following publications: (PMID: 11971898, 27886254)

NM_004698.4(PRPF3):c.1227_1228delinsTT (p.Glu409_Asp410delinsAspTyr)

Gene: PRPF3 (pre-mRNA processing factor 3; plus strand). Cytogenetic location: 1q21.2.
Variant type: Indel.
Coding change: c.1227_1228delinsTT on transcript NM_004698.4 (MANE Select); coding-DNA positions 1227 to 1228, AG replaced by TT.
Protein change: p.Glu409_Asp410delinsAspTyr.
Molecular consequence: missense variant. On other transcripts: non-coding transcript variant (4).
Genome position (GRCh38, 1-based): chr1:150,340,422-150,340,423, AG replaced by TT. VCF-style: chr1-150340422-AG-TT. GRCh37 (hg19) VCF-style: chr1-150312898-AG-TT.
Other names: c.822_823delinsTT, p.Glu274_Asp275delinsAspTyr (NM_001350529.1).
Identifiers: ClinVar variation 2443544 (VCV002443544.2), dbSNP rs2525186967, ClinGen allele CA2580060963.